The following is an entry in ClinVar:

NM_021098.3(CACNA1H):c.6766T>C (p.Cys2256Arg)

Gene: CACNA1H (calcium voltage-gated channel subunit alpha1 H; plus strand). Cytogenetic location: 16p13.3.
Variant type: single nucleotide variant.
Coding change: c.6766T>C on transcript NM_021098.3 (MANE Select); coding-DNA position 6766, T replaced by C.
Protein change: p.Cys2256Arg; replaces cysteine 2256 with arginine.
Molecular consequence: missense variant.
Genome position (GRCh38, 1-based): chr16:1,220,698, T>C. VCF-style: chr16-1220698-T-C. GRCh37 (hg19) VCF-style: chr16-1270698-T-C.
Other names: c.6748T>C, p.Cys2250Arg (NM_001005407.2); short protein forms C2250R, C2256R.
Identifiers: ClinVar variation 1405145 (VCV001405145.6), dbSNP rs2141412071, ClinGen allele CA394150556.

ClinVar aggregate classification (germline): Uncertain significance (1 of 4 stars; one submission).

Conditions:
Idiopathic generalized epilepsy. Also called: Generalised epilepsy; EIG. Identifiers: MedGen C0270850, MONDO:0005579, OMIM 600669.
Hyperaldosteronism, familial, type IV (HALD4). Also called: FH IV; ALDOSTERONISM, PRIMARY, AND HYPERTENSION. Identifiers: Orphanet 642671, MedGen C4310756, MONDO:0014875, OMIM 617027.

Submission:

Labcorp Genetics (formerly Invitae), Labcorp
Classification: Uncertain significance for Idiopathic generalized epilepsy; Hyperaldosteronism, familial, type IV. Last evaluated: 2021-09-24. Review status: criteria provided, single submitter. Criteria: Invitae Variant Classification Sherloc (09022015). Collection method: clinical testing. Allele origin: germline.
Comment: Advanced modeling of protein sequence and biophysical properties (such as structural, functional, and spatial information, amino acid conservation, physicochemical variation, residue mobility, and thermodynamic stability) performed at Invitae indicates that this missense variant is not expected to disrupt CACNA1H protein function. This sequence change replaces cysteine with arginine at codon 2256 of the CACNA1H protein (p.Cys2256Arg). The cysteine residue is moderately conserved and there is a large physicochemical difference between cysteine and arginine. This variant is not present in population databases (ExAC no frequency). This variant has not been reported in the literature in individuals affected with CACNA1H-related conditions. In summary, the available evidence is currently insufficient to determine the role of this variant in disease. Therefore, it has been classified as a Variant of Uncertain Significance.